The following is an entry in ClinVar:

ClinVar aggregate classification (germline): Pathogenic (1 of 4 stars; one submission).

Submission:

Labcorp Genetics (formerly Invitae), Labcorp
Classification: Pathogenic. Last evaluated: 2023-11-10. Review status: criteria provided, single submitter. Criteria: Invitae Variant Classification Sherloc (09022015). Collection method: clinical testing. Allele origin: germline.
Comment: This sequence change creates a premature translational stop signal (p.Leu880Alafs*107) in the LOXHD1 gene. It is expected to result in an absent or disrupted protein product. Loss-of-function variants in LOXHD1 are known to be pathogenic (PMID: 19732867, 21465660, 25792669). This variant is not present in population databases (gnomAD no frequency). This variant has not been reported in the literature in individuals affected with LOXHD1-related conditions. For these reasons, this variant has been classified as Pathogenic.

Literature cited by the submitters: PubMed 19732867; PubMed 21465660; PubMed 25792669.

NM_001384474.1(LOXHD1):c.2638_2642del (p.Leu880fs)

Gene: LOXHD1 (lipoxygenase homology PLAT domains 1; minus strand). Cytogenetic location: 18q21.1.
Variant type: Deletion.
Coding change: c.2638_2642del on transcript NM_001384474.1 (MANE Select); coding-DNA positions 2638 to 2642, 5 bases deleted (CTCGG; older notation c.2638_2642delCTCGG).
Protein change: p.Leu880fs; shifts the reading frame from leucine 880.
Molecular consequence: frameshift variant.
Genome position (GRCh38, 1-based): chr18:46,560,502-46,560,506, CCGAG deleted on the plus strand (CTCGG on the coding strand, the reverse complement: LOXHD1 is on the minus strand); deleting any 5 consecutive bases within chr18:46,560,502-46,560,509 gives the same sequence; the c. name uses the placement nearest the transcript's 3' end. VCF-style (leftmost placement, unchanged base first): chr18-46560501-CCCGAG-C. GRCh37 (hg19) VCF-style: chr18-44140464-CCCGAG-C.
Other names: c.2638_2642del, p.Leu880fs (NM_144612.7); short protein forms L880fs.
Identifiers: ClinVar variation 2694736 (VCV002694736.3), dbSNP rs2511833194, ClinGen allele CA2641658939.